The following is an entry in ClinVar:

ClinVar aggregate classification (germline): Uncertain significance. Review status: criteria provided, multiple submitters, no conflicts (2 of 4 stars). 2 submissions from 2 submitters: Uncertain significance (2). Last evaluated 2023-06-30.

Conditions:
Combined oxidative phosphorylation defect type 27. Also called: Combined oxidative phosphorylation deficiency 27. Identifiers: Orphanet 477774, MedGen C5567608, MONDO:0014728, OMIM 616672.
Inborn genetic diseases. Identifiers: MedGen C0950123, MeSH D030342.

gnomAD v4.1: 17 of 1,358,178 alleles (0.0013%); highest among the groups gnomAD compares: South Asian, 0.0054%; no homozygotes.

Submissions (2):

Ambry Genetics
Classification: Uncertain significance for Inborn genetic diseases. Last evaluated: 2023-06-30. Review status: criteria provided, single submitter. Criteria: Ambry Variant Classification Scheme 2023. Collection method: clinical testing. Allele origin: germline.

Labcorp Genetics (formerly Invitae), Labcorp
Classification: Uncertain significance for Combined oxidative phosphorylation defect type 27. Last evaluated: 2022-02-21. Review status: criteria provided, single submitter. Criteria: Invitae Variant Classification Sherloc (09022015). Collection method: clinical testing. Allele origin: germline.
Comment: This variant is not present in population databases (gnomAD no frequency). This sequence change replaces proline, which is neutral and non-polar, with leucine, which is neutral and non-polar, at codon 13 of the CARS2 protein (p.Pro13Leu). This variant has not been reported in the literature in individuals affected with CARS2-related conditions. In summary, the available evidence is currently insufficient to determine the role of this variant in disease. Therefore, it has been classified as a Variant of Uncertain Significance. Algorithms developed to predict the effect of missense changes on protein structure and function output the following: SIFT: "Tolerated"; PolyPhen-2: "Not Available"; Align-GVGD: "Class C0". The leucine amino acid residue is found in multiple mammalian species, which suggests that this missense change does not adversely affect protein function. ClinVar contains an entry for this variant (Variation ID: 852103).

NM_024537.4(CARS2):c.38C>T (p.Pro13Leu)

Genes: CARS2 (cysteinyl-tRNA synthetase 2, mitochondrial; minus strand), LOC130010127 (ATAC-STARR-seq lymphoblastoid silent region 5509; plus strand). Cytogenetic location: 13q34.
Variant type: single nucleotide variant.
Coding change: c.38C>T on transcript NM_024537.4 (MANE Select); coding-DNA position 38, C replaced by T.
Protein change: p.Pro13Leu; replaces proline 13 with leucine.
Molecular consequence: missense variant. On other transcripts: non-coding transcript variant (1), intron variant (1).
Genome position (GRCh38, 1-based): chr13:110,706,056, G>A on the plus strand (C>T on the coding strand, the complement: CARS2 is on the minus strand). VCF-style: chr13-110706056-G-A. GRCh37 (hg19) VCF-style: chr13-111358403-G-A.
Other names: c.38C>T, p.Pro13Leu (NM_001352253.3); c.-776+315C>T (NM_001352252.2); c.38C>T (NM_024537.2); short protein forms P13L.
Identifiers: ClinVar variation 852103 (VCV000852103.8), dbSNP rs948688494, ClinGen allele CA256331141.